The following is an entry in ClinVar:

NM_001042681.2(RERE):c.864C>T (p.Val288=)

Gene: RERE (arginine-glutamic acid dipeptide repeats; minus strand). Cytogenetic location: 1p36.23.
Variant type: single nucleotide variant.
Coding change: c.864C>T on transcript NM_001042681.2 (MANE Select); coding-DNA position 864, C replaced by T.
Protein change: p.Val288=; no amino-acid change (valine 288 retained).
Molecular consequence: synonymous variant.
Genome position (GRCh38, 1-based): chr1:8,508,642, G>A on the plus strand (C>T on the coding strand, the complement: RERE is on the minus strand). VCF-style: chr1-8508642-G-A. GRCh37 (hg19) VCF-style: chr1-8568701-G-A.
Other names: c.864C>T, p.Val288= (NM_012102.4).
Identifiers: ClinVar variation 721172 (VCV000721172.27), dbSNP rs149173444, ClinGen allele CA571946.

ClinVar aggregate classification (germline): Likely benign. Review status: criteria provided, multiple submitters, no conflicts (2 of 4 stars). 2 submissions from 2 submitters: Likely benign (2). Last evaluated 2025-10-21.

Allele frequency attached by ClinVar (database versions not stated): gnomAD 0.00003; gnomAD exomes 0.00014 and 0.00033; TOPMed 0.00018; ExAC 0.00026; ESP Exome Variant Server 0.00031.
gnomAD v4.1: 257 of 1,612,936 alleles (0.016%); highest among the groups gnomAD compares: Non-Finnish European, 0.0036%; no homozygotes.

Submissions (2):

Labcorp Genetics (formerly Invitae), Labcorp
Classification: Likely benign. Last evaluated: 2025-10-21. Review status: criteria provided, single submitter. Criteria: Invitae Variant Classification Sherloc (09022015). Collection method: clinical testing. Allele origin: germline.

CeGaT Center for Human Genetics Tuebingen
Classification: Likely benign. Last evaluated: 2024-05-01. Review status: criteria provided, single submitter. Criteria: CeGaT Center For Human Genetics Tuebingen Variant Classification Criteria Version 2. Collection method: clinical testing. Allele origin: germline. Affected: yes. Observed: 1 variant allele.
Comment: RERE: BP4, BP7